The following is an entry in ClinVar:

NM_000466.3(PEX1):c.2847_2849dup (p.Gly950_His951insGly)

Genes: GATAD1 (GATA zinc finger domain containing 1; plus strand), PEX1 (peroxisomal biogenesis factor 1; minus strand). Cytogenetic location: 7q21.2.
Variant type: Duplication.
Coding change: c.2847_2849dup on transcript NM_000466.3 (MANE Select); coding-DNA positions 2847 to 2849, 3 bases duplicated (GGG; older notation c.2847_2849dupGGG).
Protein change: p.Gly950_His951insGly.
Genome position (GRCh38, 1-based): chr7:92,494,564-92,494,566, CCC duplicated on the plus strand (GGG on the coding strand, the reverse complement: PEX1 is on the minus strand); duplicating any 3 consecutive bases within chr7:92,494,564-92,494,567 gives the same sequence; the c. name uses the placement nearest the transcript's 3' end. VCF-style (leftmost placement, unchanged base first): chr7-92494563-A-ACCC. GRCh37 (hg19) VCF-style: chr7-92123877-A-ACCC.
Other names: c.2676_2678dup, p.Gly893_His894insGly (NM_001282677.2); c.2223_2225dup, p.Gly742_His743insGly (NM_001282678.2).
Identifiers: ClinVar variation 3637454 (VCV003637454.2).

ClinVar aggregate classification (germline): Uncertain significance (1 of 4 stars; one submission).

Conditions:
Zellweger spectrum disorders (ZS). Also called: Zellweger Spectrum Disorder (ZSD); Zellweger syndrome; Zellweger Spectrum Disorder; Zellweger Spectrum. Identifiers: Orphanet 912, MedGen C0043459, MONDO:0019609.

Submission:

Labcorp Genetics (formerly Invitae), Labcorp
Classification: Uncertain significance for Zellweger spectrum disorders. Last evaluated: 2024-09-04. Review status: criteria provided, single submitter. Criteria: Invitae Variant Classification Sherloc (09022015). Collection method: clinical testing. Allele origin: germline.
Comment: This variant, c.2847_2849dup, results in the insertion of 1 amino acid(s) of the PEX1 protein (p.Gly950dup), but otherwise preserves the integrity of the reading frame. This variant is not present in population databases (gnomAD no frequency). This variant has not been reported in the literature in individuals affected with PEX1-related conditions. Experimental studies and prediction algorithms are not available or were not evaluated, and the functional significance of this variant is currently unknown. In summary, the available evidence is currently insufficient to determine the role of this variant in disease. Therefore, it has been classified as a Variant of Uncertain Significance.